The following is an entry in ClinVar:

NM_001370298.3(FGD4):c.996G>A (p.Gln332=)

Gene: FGD4 (FYVE, RhoGEF and PH domain containing 4; plus strand). Cytogenetic location: 12p11.21.
Variant type: single nucleotide variant.
Coding change: c.996G>A on transcript NM_001370298.3 (MANE Select); coding-DNA position 996, G replaced by A.
Protein change: p.Gln332=; no amino-acid change (glutamine 332 retained).
Molecular consequence: synonymous variant. On other transcripts: 5 prime UTR variant (2), non-coding transcript variant (1), intron variant (1).
Genome position (GRCh38, 1-based): chr12:32,582,452, G>A. VCF-style: chr12-32582452-G-A. GRCh37 (hg19) VCF-style: chr12-32735386-G-A.
Other names: c.840G>A, p.Gln280= (NM_001304481.2); c.-260G>A (NM_001304483.2); c.-567G>A (NM_001304484.2); c.306G>A, p.Gln102= (NM_001330373.2, NM_001330374.2, NM_001384130.1); c.996G>A, p.Gln332= (NM_001384126.1); c.585G>A, p.Gln195= (NM_001384127.1, NM_001384128.1, NM_001384131.1 and 3 more transcripts); c.49-16045G>A (NM_001370297.1).
Identifiers: ClinVar variation 2738691 (VCV002738691.4), dbSNP rs1312181134, ClinGen allele CA479213760.

ClinVar aggregate classification (germline): Likely benign. Review status: criteria provided, multiple submitters, no conflicts (2 of 4 stars). 2 submissions from 2 submitters: Likely benign (2). Last evaluated 2025-12-17.

Conditions:
Charcot-Marie-Tooth disease type 4. Also called: Charcot-Marie-Tooth disease, type IV; Charcot-Marie-Tooth, Type 4. Identifiers: Orphanet 64749, MedGen C4082197, MONDO:0018995.
FGD4-related disorder. Also called: FGD4-related condition.

Allele frequency attached by ClinVar (database versions not stated): gnomAD exomes below 0.00001; gnomAD 0.00001.

Submissions (2):

PreventionGenetics, part of Exact Sciences
Classification: Likely benign for FGD4-related condition. Last evaluated: 2025-12-17. Review status: criteria provided, single submitter. Criteria: ACMG Guidelines, 2015. Collection method: clinical testing. Allele origin: germline.
Comment: This variant is classified as likely benign based on ACMG/AMP sequence variant interpretation guidelines (Richards et al. 2015 PMID: 25741868, with internal and published modifications).

Labcorp Genetics (formerly Invitae), Labcorp
Classification: Likely benign for Charcot-Marie-Tooth disease type 4. Last evaluated: 2024-01-29. Review status: criteria provided, single submitter. Criteria: Invitae Variant Classification Sherloc (09022015). Collection method: clinical testing. Allele origin: germline.